The following is an entry in ClinVar:

ClinVar aggregate classification (germline): Uncertain significance. Review status: criteria provided, multiple submitters, no conflicts (2 of 4 stars). 2 submissions from 2 submitters: Uncertain significance (2). Last evaluated 2022-01-16.

Conditions:
Hereditary pancreatitis (PCTT). Also called: Hereditary chronic pancreatitis; PRSS1-Related Hereditary Pancreatitis. Identifiers: Orphanet 676, MedGen C0238339, MONDO:0008185, OMIM 167800.

Allele frequency attached by ClinVar (database versions not stated): gnomAD exomes below 0.00001.
gnomAD v4.1: 2 of 1,614,230 alleles (0.00012%); highest among the groups gnomAD compares: Non-Finnish European, 0.00017%; no homozygotes.

Submissions (2):

Ambry Genetics
Classification: Uncertain significance for Hereditary pancreatitis. Last evaluated: 2022-01-16. Review status: criteria provided, single submitter. Criteria: Ambry Variant Classification Scheme 2023. Collection method: clinical testing. Allele origin: germline.
Comment: The p.S144R variant (also known as c.432C>G), located in coding exon 4 of the CPA1 gene, results from a C to G substitution at nucleotide position 432. The serine at codon 144 is replaced by arginine, an amino acid with dissimilar properties. This amino acid position is conserved. In addition, this alteration is predicted to be tolerated by in silico analysis. Since supporting evidence is limited at this time, the clinical significance of this alteration remains unclear.

Labcorp Genetics (formerly Invitae), Labcorp
Classification: Uncertain significance. Last evaluated: 2021-05-03. Review status: criteria provided, single submitter. Criteria: Invitae Variant Classification Sherloc (09022015). Collection method: clinical testing. Allele origin: germline.
Comment: In summary, the available evidence is currently insufficient to determine the role of this variant in disease. Therefore, it has been classified as a Variant of Uncertain Significance. Algorithms developed to predict the effect of missense changes on protein structure and function are either unavailable or do not agree on the potential impact of this missense change (SIFT: "Tolerated"; PolyPhen-2: "Probably Damaging"; Align-GVGD: "Class C0"). This variant has not been reported in the literature in individuals with CPA1-related conditions. This variant is not present in population databases (ExAC no frequency). This sequence change replaces serine with arginine at codon 144 of the CPA1 protein (p.Ser144Arg). The serine residue is highly conserved and there is a moderate physicochemical difference between serine and arginine.

NM_001868.4(CPA1):c.432C>G (p.Ser144Arg)

Gene: CPA1 (carboxypeptidase A1; plus strand). Cytogenetic location: 7q32.2.
Variant type: single nucleotide variant.
Coding change: c.432C>G on transcript NM_001868.4 (MANE Select); coding-DNA position 432, C replaced by G.
Protein change: p.Ser144Arg; replaces serine 144 with arginine.
Molecular consequence: missense variant.
Genome position (GRCh38, 1-based): chr7:130,382,158, C>G. VCF-style: chr7-130382158-C-G. GRCh37 (hg19) VCF-style: chr7-130021999-C-G.
Other names: short protein forms S144R.
Identifiers: ClinVar variation 1472025 (VCV001472025.10), dbSNP rs2117501364, ClinGen allele CA369281006.